The following is an entry in ClinVar:

ClinVar aggregate classification (germline): Uncertain significance (1 of 4 stars; one submission).

Conditions:
Benign neonatal seizures. Also called: Convulsions benign familial neonatal dominant form; Autosomal dominant form of benign neonatal seizures; Benign neonatal familial convulsions; Benign familial neonatal epilepsy; Benign familial neonatal seizures. Identifiers: Orphanet 1949, MedGen C0220669, MONDO:0016027.

gnomAD v4.1: 1 of 1,613,794 alleles (0.000062%); highest among the groups gnomAD compares: Non-Finnish European, 0.000085%; no homozygotes.

Submission:

Labcorp Genetics (formerly Invitae), Labcorp
Classification: Uncertain significance for Benign neonatal seizures. Last evaluated: 2022-07-19. Review status: criteria provided, single submitter. Criteria: Invitae Variant Classification Sherloc (09022015). Collection method: clinical testing. Allele origin: germline.
Comment: This sequence change replaces leucine, which is neutral and non-polar, with phenylalanine, which is neutral and non-polar, at codon 378 of the KCNQ3 protein (p.Leu378Phe). This variant is not present in population databases (gnomAD no frequency). In summary, the available evidence is currently insufficient to determine the role of this variant in disease. Therefore, it has been classified as a Variant of Uncertain Significance. Advanced modeling of protein sequence and biophysical properties (such as structural, functional, and spatial information, amino acid conservation, physicochemical variation, residue mobility, and thermodynamic stability) performed at Invitae indicates that this missense variant is expected to disrupt KCNQ3 protein function. ClinVar contains an entry for this variant (Variation ID: 1461281). This variant has not been reported in the literature in individuals affected with KCNQ3-related conditions.

NM_004519.4(KCNQ3):c.1132C>T (p.Leu378Phe)

Gene: KCNQ3 (potassium voltage-gated channel subfamily Q member 3; minus strand). Cytogenetic location: 8q24.22.
Variant type: single nucleotide variant.
Coding change: c.1132C>T on transcript NM_004519.4 (MANE Select); coding-DNA position 1132, C replaced by T.
Protein change: p.Leu378Phe; replaces leucine 378 with phenylalanine.
Molecular consequence: missense variant.
Genome position (GRCh38, 1-based): chr8:132,172,606, G>A on the plus strand (C>T on the coding strand, the complement: KCNQ3 is on the minus strand). VCF-style: chr8-132172606-G-A. GRCh37 (hg19) VCF-style: chr8-133184853-G-A.
Other names: c.772C>T, p.Leu258Phe (NM_001204824.2); short protein forms L258F, L378F.
Identifiers: ClinVar variation 1461281 (VCV001461281.6), dbSNP rs2130121043, ClinGen allele CA372289828.